The following is an entry in ClinVar:

NM_022455.5(NSD1):c.3577A>G (p.Ser1193Gly)

Gene: NSD1 (nuclear receptor binding SET domain protein 1; plus strand). Cytogenetic location: 5q35.3.
Variant type: single nucleotide variant.
Coding change: c.3577A>G on transcript NM_022455.5 (MANE Select); coding-DNA position 3577, A replaced by G.
Protein change: p.Ser1193Gly; replaces serine 1193 with glycine.
Molecular consequence: missense variant.
Genome position (GRCh38, 1-based): chr5:177,211,976, A>G. VCF-style: chr5-177211976-A-G. GRCh37 (hg19) VCF-style: chr5-176638977-A-G.
Other names: c.2704A>G, p.Ser902Gly (NM_001365684.2, NM_001409306.1, NM_001409307.1 and 3 more transcripts); c.3577A>G, p.Ser1193Gly (NM_001409301.1, NM_001409302.1, NM_001409303.1); c.3157A>G, p.Ser1053Gly (NM_001409304.1); c.2824A>G, p.Ser942Gly (NM_001409305.1); short protein forms S1053G, S1193G, S942G, S902G.
Identifiers: ClinVar variation 2585504 (VCV002585504.1), dbSNP rs2480467118, ClinGen allele CA362325982.
Genomic context (GRCh38, chr5:177,211,976, plus strand): 5'-CGCATGAACAGATTTAAAGAGAAAGAAAACTCTGAGTGTGCCTTTAGGGTCTTACTTCCT[A>G]GTGACCCTGTGCAGGAGGGGCGGGATGAGTTTCCAGAGCATAGAACTCCTTCAGCAAGCA-3'
Protein context (NP_071900.2, residues 1183-1203): SECAFRVLLP[Ser1193Gly]DPVQEGRDEF

ClinVar aggregate classification (germline): Uncertain significance (1 of 4 stars; one submission).

Conditions:
Sotos syndrome (SOTOS). Also called: Sotos' syndrome; Distinctive facial appearance, overgrowth in childhood, and learning disabilities or delayed development; CEREBRAL GIGANTISM; CHROMOSOME 5q35 DELETION SYNDROME; SOTOS SYNDROME 1. Identifiers: Orphanet 821, MedGen C0175695, MONDO:0019349, OMIM 117550.

Submission:

Neuberg Centre For Genomic Medicine, NCGM
Classification: Uncertain significance for Sotos syndrome. Review status: criteria provided, single submitter. Criteria: ACMG Guidelines, 2015. Collection method: clinical testing. Allele origin: germline. Inheritance: Autosomal dominant inheritance. Affected: yes.
Comment: The missense variant c.3577A>G (p.Ser1193Gly) in NSD1 gene has not been reported previously as a pathogenic variant nor as a benign variant, to our knowledge. The p.Ser1193Gly variant is novel (not in any individuals) in gnomAD Exomes and 1000 Genomes. The amino acid Ser at position 1193 is changed to a Gly changing protein sequence and it might alter its composition and physico-chemical properties. The amino acid change p.Ser1193Gly in NSD1 is predicted as conserved by GERP++ and PhyloP across 100 vertebrates. For these reasons, this variant has been classified as Uncertain Significance .